The following is an entry in ClinVar:

ClinVar aggregate classification (germline): Likely benign. Review status: criteria provided, multiple submitters, no conflicts (2 of 4 stars). 2 submissions from 2 submitters: Likely benign (2). Last evaluated 2026-01-01.

gnomAD v4.1: 37 of 1,551,526 alleles (0.0024%); highest among the groups gnomAD compares: Middle Eastern, 0.017%; no homozygotes.

Submissions (2):

CeGaT Center for Human Genetics Tuebingen
Classification: Likely benign. Last evaluated: 2026-01-01. Review status: criteria provided, single submitter. Criteria: CeGaT Center For Human Genetics Tuebingen Variant Classification Criteria Version 2. Collection method: clinical testing. Allele origin: germline. Affected: yes. Observed: 1 variant allele.
Comment: SLFN14: BP4, BP7

Blueprint Genetics
Classification: Likely benign. Last evaluated: 2024-10-30. Review status: criteria provided, single submitter. Criteria: ACMG Guidelines, 2015. Collection method: clinical testing. Allele origin: germline.

NM_001129820.2(SLFN14):c.123G>A (p.Glu41=)

Gene: SLFN14 (schlafen family member 14; minus strand). Cytogenetic location: 17q12.
Variant type: single nucleotide variant.
Coding change: c.123G>A on transcript NM_001129820.2 (MANE Select); coding-DNA position 123, G replaced by A.
Protein change: p.Glu41=; no amino-acid change (glutamic acid 41 retained).
Molecular consequence: synonymous variant.
Genome position (GRCh38, 1-based): chr17:35,557,940, C>T on the plus strand (G>A on the coding strand, the complement: SLFN14 is on the minus strand). VCF-style: chr17-35557940-C-T. GRCh37 (hg19) VCF-style: chr17-33884959-C-T.
Identifiers: ClinVar variation 4821331 (VCV004821331.5).